The following is an entry in ClinVar:

ClinVar aggregate classification (germline): Uncertain significance (1 of 4 stars; one submission).

Submission:

GeneDx
Classification: Uncertain significance. Last evaluated: 2021-02-03. Review status: criteria provided, single submitter. Criteria: GeneDx Variant Classification Process June 2021. Collection method: clinical testing. Allele origin: germline. Affected: yes.
Comment: Not observed in large population cohorts (Lek et al., 2016); Has not been previously published as pathogenic or benign to our knowledge; In-silico analysis, which includes splice predictors and evolutionary conservation, is inconclusive as to whether the variant alters gene splicing. In the absence of RNA/functional studies, the actual effect of this sequence change is unknown.

NM_001348323.3(TRIP12):c.1987-5A>G

Gene: TRIP12 (thyroid hormone receptor interactor 12; minus strand). Cytogenetic location: 2q36.3.
Variant type: single nucleotide variant.
Coding change: c.1987-5A>G on transcript NM_001348323.3 (MANE Select); 5 bases into the intron before coding-DNA position 1987, A replaced by G.
Molecular consequence: intron variant.
Genome position (GRCh38, 1-based): chr2:229,811,209, T>C on the plus strand (A>G on the coding strand, the complement: TRIP12 is on the minus strand). VCF-style: chr2-229811209-T-C. GRCh37 (hg19) VCF-style: chr2-230675925-T-C.
Other names: c.952-5A>G (NM_001284216.2); c.1843-5A>G (NM_004238.3); c.1861-5A>G (NM_001348331.1, NM_001348317.1, NM_001284215.2 and 2 more transcripts); c.1900-5A>G (NM_001348332.1); c.1987-5A>G (NM_001284214.2, NM_001348319.1, NM_001348333.1 and 11 more transcripts).
Identifiers: ClinVar variation 1306784 (VCV001306784.2), dbSNP rs1559564346, ClinGen allele CA2573051890.